The following is an entry in ClinVar:

ClinVar aggregate classification (germline): Uncertain significance. Review status: criteria provided, multiple submitters, no conflicts (2 of 4 stars). 2 submissions from 2 submitters: Uncertain significance (2). Last evaluated 2025-01-27.

Allele frequency attached by ClinVar (database versions not stated): gnomAD 0.00001; TOPMed 0.00001; ExAC 0.00003; gnomAD exomes 0.00003.
gnomAD v4.1: 27 of 1,612,948 alleles (0.0017%); highest among the groups gnomAD compares: Admixed American, 0.012%; no homozygotes.

Submissions (2):

Labcorp Genetics (formerly Invitae), Labcorp
Classification: Uncertain significance. Last evaluated: 2025-01-27. Review status: criteria provided, single submitter. Criteria: Invitae Variant Classification Sherloc (09022015). Collection method: clinical testing. Allele origin: germline.
Comment: This sequence change replaces glycine, which is neutral and non-polar, with serine, which is neutral and polar, at codon 1659 of the TUBGCP6 protein (p.Gly1659Ser). This variant is present in population databases (rs763283055, gnomAD 0.02%). This variant has not been reported in the literature in individuals affected with TUBGCP6-related conditions. ClinVar contains an entry for this variant (Variation ID: 1495976). An algorithm developed to predict the effect of missense changes on protein structure and function outputs the following: PolyPhen-2: "Benign". The serine amino acid residue is found in multiple mammalian species, which suggests that this missense change does not adversely affect protein function. In summary, the available evidence is currently insufficient to determine the role of this variant in disease. Therefore, it has been classified as a Variant of Uncertain Significance.

Blueprint Genetics
Classification: Uncertain significance. Last evaluated: 2024-11-26. Review status: criteria provided, single submitter. Criteria: ACMG Guidelines, 2015. Collection method: clinical testing. Allele origin: germline.

NM_020461.4(TUBGCP6):c.4975G>A (p.Gly1659Ser)

Gene: TUBGCP6 (tubulin gamma complex component 6; minus strand). Cytogenetic location: 22q13.33.
Variant type: single nucleotide variant.
Coding change: c.4975G>A on transcript NM_020461.4 (MANE Select); coding-DNA position 4975, G replaced by A.
Protein change: p.Gly1659Ser; replaces glycine 1659 with serine.
Molecular consequence: missense variant.
Genome position (GRCh38, 1-based): chr22:50,218,382, C>T on the plus strand (G>A on the coding strand, the complement: TUBGCP6 is on the minus strand). VCF-style: chr22-50218382-C-T. GRCh37 (hg19) VCF-style: chr22-50656811-C-T.
Other names: short protein forms G1659S.
Identifiers: ClinVar variation 1495976 (VCV001495976.5), dbSNP rs763283055, ClinGen allele CA10307217.